The following is an entry in ClinVar:

ClinVar aggregate classification (germline): Uncertain significance. Review status: criteria provided, multiple submitters, no conflicts (2 of 4 stars). 2 submissions from 2 submitters: Uncertain significance (2). Last evaluated 2025-04-10.

Conditions:
Developmental and epileptic encephalopathy, 9 (DEE9). Also called: JUBERG-HELLMAN SYNDROME; Early infantile epileptic encephalopathy 9; EPILEPSY, FEMALE-RESTRICTED, WITH MENTAL RETARDATION; PCDH19-Related X-Linked Female-Limited Epilepsy with Mental Retardation. Identifiers: Orphanet 101039, Orphanet 2076, MedGen C1848137, MONDO:0010246, OMIM 300088. Disease mechanism: loss of function.

gnomAD v4.1: 3 of 1,211,280 alleles (0.00025%); highest among the groups gnomAD compares: Admixed American, 0.0065%; no homozygotes.

Submissions (2):

Labcorp Genetics (formerly Invitae), Labcorp
Classification: Uncertain significance for Developmental and epileptic encephalopathy, 9. Last evaluated: 2025-04-10. Review status: criteria provided, single submitter. Criteria: Invitae Variant Classification Sherloc (09022015). Collection method: clinical testing. Allele origin: germline.
Comment: This sequence change replaces valine, which is neutral and non-polar, with leucine, which is neutral and non-polar, at codon 1081 of the PCDH19 protein (p.Val1081Leu). This variant is present in population databases (rs774791898, gnomAD 0.01%). This variant has not been reported in the literature in individuals affected with PCDH19-related conditions. ClinVar contains an entry for this variant (Variation ID: 1063138). Invitae Evidence Modeling of protein sequence and biophysical properties (such as structural, functional, and spatial information, amino acid conservation, physicochemical variation, residue mobility, and thermodynamic stability) indicates that this missense variant is not expected to disrupt PCDH19 protein function with a negative predictive value of 95%. In summary, the available evidence is currently insufficient to determine the role of this variant in disease. Therefore, it has been classified as a Variant of Uncertain Significance.

GeneDx
Classification: Uncertain significance. Last evaluated: 2019-04-03. Review status: criteria provided, single submitter. Criteria: GeneDx Variant Classification Process June 2021. Collection method: clinical testing. Allele origin: germline. Affected: yes.
Comment: In silico analysis, which includes protein predictors and evolutionary conservation, supports that this variant does not alter protein structure/function; Has not been previously published as pathogenic or benign to our knowledge

NM_001184880.2(PCDH19):c.3241G>C (p.Val1081Leu)

Gene: PCDH19 (protocadherin 19; minus strand). Cytogenetic location: Xq22.1.
Variant type: single nucleotide variant.
Coding change: c.3241G>C on transcript NM_001184880.2 (MANE Select); coding-DNA position 3241, G replaced by C.
Protein change: p.Val1081Leu; replaces valine 1081 with leucine.
Molecular consequence: missense variant.
Genome position (GRCh38, 1-based): chrX:100,296,483, C>G on the plus strand (G>C on the coding strand, the complement: PCDH19 is on the minus strand). VCF-style: chrX-100296483-C-G. GRCh37 (hg19) VCF-style: chrX-99551481-C-G.
Other names: c.3100G>C, p.Val1034Leu (NM_001105243.2); c.3097G>C, p.Val1033Leu (NM_020766.3); short protein forms V1033L, V1034L, V1081L.
Identifiers: ClinVar variation 1063138 (VCV001063138.10), dbSNP rs774791898, ClinGen allele CA10468652.